The following is an entry in ClinVar:

NM_001854.4(COL11A1):c.3763-2A>C

Gene: COL11A1 (collagen type XI alpha 1 chain; minus strand). Cytogenetic location: 1p21.1.
Variant type: single nucleotide variant.
Coding change: c.3763-2A>C on transcript NM_001854.4 (MANE Select); the canonical splice acceptor site of the intron before coding-DNA position 3763, A replaced by C.
Molecular consequence: splice acceptor variant.
Genome position (GRCh38, 1-based): chr1:102,915,686, T>G on the plus strand (A>C on the coding strand, the complement: COL11A1 is on the minus strand). VCF-style: chr1-102915686-T-G. GRCh37 (hg19) VCF-style: chr1-103381242-T-G.
Other names: c.3646-2A>C (NM_001190709.2); c.3799-2A>C (NM_080629.3); c.3415-2A>C (NM_080630.4).
Identifiers: ClinVar variation 2031102 (VCV002031102.4), dbSNP rs2524497352, ClinGen allele CA341162336.

ClinVar aggregate classification (germline): Pathogenic (1 of 4 stars; one submission).

Submission:

Labcorp Genetics (formerly Invitae), Labcorp
Classification: Pathogenic. Last evaluated: 2023-10-05. Review status: criteria provided, single submitter. Criteria: Invitae Variant Classification Sherloc (09022015). Collection method: clinical testing. Allele origin: germline.
Comment: This sequence change affects an acceptor splice site in intron 49 of the COL11A1 gene. It is expected to disrupt RNA splicing. Variants that disrupt the donor or acceptor splice site typically lead to a loss of protein function (PMID: 16199547), and loss-of-function variants in COL11A1 are known to be pathogenic (PMID: 20513134, 21035103, 23922384, 25240749, 32427345, 32756486). This variant is not present in population databases (gnomAD no frequency). Disruption of this splice site has been observed in individual(s) with autosomal dominant COL11A1-related conditions (Invitae). In at least one individual the variant was observed to be de novo. ClinVar contains an entry for this variant (Variation ID: 2031102). Algorithms developed to predict the effect of sequence changes on RNA splicing suggest that this variant may disrupt the consensus splice site. For these reasons, this variant has been classified as Pathogenic.

Literature cited by the submitters: PubMed 16199547; PubMed 20513134; PubMed 21035103; PubMed 23922384; PubMed 25240749; PubMed 32427345; PubMed 32756486.